The following is an entry in ClinVar:

NM_006579.3(EBP):c.15G>T (p.Ala5=)

Gene: EBP (EBP cholestenol delta-isomerase; plus strand). Cytogenetic location: Xp11.23.
Variant type: single nucleotide variant.
Coding change: c.15G>T on transcript NM_006579.3 (MANE Select); coding-DNA position 15, G replaced by T.
Protein change: p.Ala5=; no amino-acid change (alanine 5 retained).
Molecular consequence: synonymous variant.
Genome position (GRCh38, 1-based): chrX:48,523,786, G>T. VCF-style: chrX-48523786-G-T. GRCh37 (hg19) VCF-style: chrX-48382174-G-T.
Other names: p.Ala5=.
Identifiers: ClinVar variation 158531 (VCV000158531.20), dbSNP rs3048, ClinGen allele CA172140.

ClinVar aggregate classification (germline): Benign. Review status: criteria provided, multiple submitters, no conflicts (2 of 4 stars). 8 submissions from 7 submitters: Benign (8). Last evaluated 2026-02-04.

Conditions:
MEND syndrome (MEND). Also called: MALE EBP DISORDER WITH NEUROLOGIC DEFECTS. Identifiers: Orphanet 401973, MedGen C4085243, MONDO:0010498, OMIM 300960.
Chondrodysplasia punctata 2 X-linked dominant (CDPX2). Also called: Hunermann-Conradi Syndrome; CONRADI-HUNERMANN-HAPPLE SYNDROME; HAPPLE SYNDROME; EBP-Related X-Linked Chondrodysplasia Punctata. Identifiers: Orphanet 35173, MedGen C0282102, MONDO:0020603, OMIM 302960.

Allele frequency attached by ClinVar (database versions not stated): ESP Exome Variant Server 0.29272; 1000 Genomes Project 30x 0.30864; 1000 Genomes Project 0.31523; gnomAD 0.28803; TOPMed 0.28988.
gnomAD v4.1: 402,999 of 1,195,442 alleles (34%); highest among the groups gnomAD compares: East Asian, 43%; 47,684 homozygotes.

Submissions (8):

Labcorp Genetics (formerly Invitae), Labcorp
Classification: Benign. Last evaluated: 2026-02-04. Review status: criteria provided, single submitter. Criteria: Invitae Variant Classification Sherloc (09022015). Collection method: clinical testing. Allele origin: germline.

Genome-Nilou Lab
Classification: Benign for Chondrodysplasia punctata 2 X-linked dominant. Last evaluated: 2021-07-30. Review status: criteria provided, single submitter. Criteria: ACMG Guidelines, 2015. Collection method: clinical testing. Allele origin: germline. Affected: no.

Genome-Nilou Lab
Classification: Benign for MEND syndrome. Last evaluated: 2021-07-30. Review status: criteria provided, single submitter. Criteria: ACMG Guidelines, 2015. Collection method: clinical testing. Allele origin: germline. Affected: no.

Mayo Clinic Laboratories, Mayo Clinic
Classification: Benign. Last evaluated: 2021-04-07. Review status: criteria provided, single submitter. Criteria: ACMG Guidelines, 2015. Collection method: clinical testing. Allele origin: germline. Observed: 1 variant allele.

GeneDx
Classification: Benign. Last evaluated: 2016-03-29. Review status: criteria provided, single submitter. Criteria: GeneDx Variant Classification (06012015). Collection method: clinical testing. Allele origin: germline. Affected: yes.
Comment: This variant is considered likely benign or benign based on one or more of the following criteria: it is a conservative change, it occurs at a poorly conserved position in the protein, it is predicted to be benign by multiple in silico algorithms, and/or has population frequency not consistent with disease.

Genetic Services Laboratory, University of Chicago
Classification: Benign. Last evaluated: 2013-02-08. Review status: criteria provided, single submitter. Criteria: ACMG Guidelines, 2007. Collection method: clinical testing. Allele origin: germline. Inheritance: X-linked inheritance.

Breakthrough Genomics
Classification: Benign. Review status: criteria provided, single submitter. Criteria: ACMG Guidelines, 2015. Collection method: not provided. Allele origin: germline. Inheritance: X-linked inheritance. Affected: yes.

PreventionGenetics, part of Exact Sciences
Classification: Benign. Review status: criteria provided, single submitter. Criteria: ACMG Guidelines, 2015. Collection method: clinical testing. Allele origin: germline.